The following is an entry in ClinVar:

NM_198994.3(TGM6):c.1024C>T (p.Arg342Trp)

Gene: TGM6 (transglutaminase 6; plus strand). Cytogenetic location: 20p13.
Variant type: single nucleotide variant.
Coding change: c.1024C>T on transcript NM_198994.3 (MANE Select); coding-DNA position 1024, C replaced by T.
Protein change: p.Arg342Trp; replaces arginine 342 with tryptophan.
Molecular consequence: missense variant.
Genome position (GRCh38, 1-based): chr20:2,403,431, C>T. VCF-style: chr20-2403431-C-T. GRCh37 (hg19) VCF-style: chr20-2384077-C-T.
Other names: c.1024C>T, p.Arg342Trp (NM_001254734.2); short protein forms R342W.
Identifiers: ClinVar variation 1333238 (VCV001333238.15), dbSNP rs150566697, ClinGen allele CA9731943.
Genomic context (GRCh38, chr20:2,403,431, plus strand): 5'-CTTCACCCATCCTCTCTCTGTGGCAGGAATTTCCATGTCTGGAATGAGAGCTGGTTTGCC[C>T]GGCAGGACCTAGGCCCCTCTTACAATGGCTGGCAGGTTCTGGATGCCACCCCCCAGGAGG-3'
Protein context (NP_945345.2, residues 332-352): FHVWNESWFA[Arg342Trp]QDLGPSYNGW

ClinVar aggregate classification (germline): Conflicting classifications of pathogenicity. Review status: criteria provided, conflicting classifications (1 of 4 stars). 6 submissions from 6 submitters: Likely pathogenic (2); Uncertain significance (4). Last evaluated 2025-05-19.

Conditions:
Spinocerebellar ataxia type 35. Identifiers: Orphanet 276193, MedGen C3888031, MONDO:0013485, OMIM 613908.

Allele frequency attached by ClinVar (database versions not stated): TOPMed 0.00006; gnomAD exomes 0.00008 and 0.00017; gnomAD 0.00010 and 0.00011; ESP Exome Variant Server 0.00015; ExAC 0.00017.
gnomAD v4.1: 143 of 1,614,114 alleles (0.0089%); highest among the groups gnomAD compares: Middle Eastern, 0.082%; 2 homozygotes.

Submissions (6):

Laboratorio de Genetica e Diagnostico Molecular, Hospital Israelita Albert Einstein
Classification: Uncertain significance for Spinocerebellar ataxia type 35. Last evaluated: 2025-05-19. Review status: criteria provided, single submitter. Criteria: ACMG Guidelines, 2015. Collection method: clinical testing. Allele origin: germline. Affected: yes.
Comment: ACMG classification criteria: PS3 supporting, PS4 supporting, PP3 supporting, BS2 supporting

CeGaT Center for Human Genetics Tuebingen
Classification: Uncertain significance. Last evaluated: 2025-04-01. Review status: criteria provided, single submitter. Criteria: CeGaT Center For Human Genetics Tuebingen Variant Classification Criteria Version 2. Collection method: clinical testing. Allele origin: germline. Affected: yes. Observed: 1 variant allele.
Comment: TGM6: PS3:Supporting, BP5

Labcorp Genetics (formerly Invitae), Labcorp
Classification: Uncertain significance. Last evaluated: 2025-02-06. Review status: criteria provided, single submitter. Criteria: Invitae Variant Classification Sherloc (09022015). Collection method: clinical testing. Allele origin: germline.
Comment: This sequence change replaces arginine, which is basic and polar, with tryptophan, which is neutral and slightly polar, at codon 342 of the TGM6 protein (p.Arg342Trp). This variant is present in population databases (rs150566697, gnomAD 0.05%), and has an allele count higher than expected for a pathogenic variant. This missense change has been observed in individual(s) with spinocerebellar ataxia (PMID: 33160304). ClinVar contains an entry for this variant (Variation ID: 1333238). Invitae Evidence Modeling of protein sequence and biophysical properties (such as structural, functional, and spatial information, amino acid conservation, physicochemical variation, residue mobility, and thermodynamic stability) indicates that this missense variant is expected to disrupt TGM6 protein function with a positive predictive value of 80%. Experimental studies have shown that this missense change affects TGM6 function (PMID: 33160304). In summary, the available evidence is currently insufficient to determine the role of this variant in disease. Therefore, it has been classified as a Variant of Uncertain Significance.

Kariminejad - Najmabadi Pathology & Genetics Center
Classification: Likely pathogenic for Spinocerebellar ataxia type 35. Last evaluated: 2024-02-13. Review status: criteria provided, single submitter. Criteria: ACMG Guidelines, 2015. Collection method: clinical testing. Allele origin: germline. Inheritance: Autosomal dominant inheritance. Affected: yes.
Comment: PP5,PP3(Moderate),BP1,PS3(Supporting)

Department of Pathology and Laboratory Medicine, Sinai Health System
Classification: Uncertain significance for Spinocerebellar ataxia type 35. Last evaluated: 2023-02-14. Review status: criteria provided, single submitter. Criteria: ACMG Guidelines, 2015. Collection method: research. Allele origin: germline.

3billion
Classification: Likely pathogenic for Spinocerebellar ataxia type 35. Last evaluated: 2022-01-03. Review status: criteria provided, single submitter. Criteria: ACMG Guidelines, 2015. Collection method: clinical testing. Allele origin: germline. Affected: yes. Observed: 1 heterozygote.
Comment: Same nucleotide change resulting in same amino acid change has been previously reported to be associated with TGM6 related disorder (PMID:33160304). Functional studies provide strong evidence of the variant having a damaging effect on the gene or gene product (PMID:33160304, PS3_S). In silico tool predictions suggest damaging effect of the variant on gene or gene product (REVEL: 0.821, PP3_P). Therefore, this variant is classified as likely pathogenic according to the recommendation of ACMG/AMP guideline.

Literature cited by the submitters: PubMed 33160304 (cited by Labcorp Genetics (formerly Invitae), Labcorp and 3billion).